The following is an entry in ClinVar:

ClinVar aggregate classification (germline): Uncertain significance (1 of 4 stars; one submission).

Conditions:
Familial thoracic aortic aneurysm and aortic dissection (TAAD). Also called: Thoracic aortic aneurysms and dissections. Identifiers: Orphanet 91387, MedGen C4707243, MONDO:0019625.

Submission:

Labcorp Genetics (formerly Invitae), Labcorp
Classification: Uncertain significance for Familial thoracic aortic aneurysm and aortic dissection. Last evaluated: 2025-09-25. Review status: criteria provided, single submitter. Criteria: Invitae Variant Classification Sherloc (09022015). Collection method: clinical testing. Allele origin: germline.
Comment: This sequence change creates a premature translational stop signal (p.Arg382*) in the MAT2A gene. While this is not anticipated to result in nonsense mediated decay, it is expected to disrupt the last 14 amino acid(s) of the MAT2A protein. This variant is not present in population databases (gnomAD no frequency). This variant has not been reported in the literature in individuals affected with MAT2A-related conditions. Algorithms developed to predict the effect of sequence changes on RNA splicing suggest that this variant may disrupt the consensus splice site. In summary, the available evidence is currently insufficient to determine the role of this variant in disease. Therefore, it has been classified as a Variant of Uncertain Significance.

NM_005911.6(MAT2A):c.1143dup (p.Arg382Ter)

Genes: MAT2A (methionine adenosyltransferase 2A; plus strand), GGCX (gamma-glutamyl carboxylase; minus strand). Cytogenetic location: 2p11.2.
Variant type: Duplication.
Coding change: c.1143dup on transcript NM_005911.6 (MANE Select); coding-DNA position 1143, one base duplicated (T; older notation c.1143dupT).
Protein change: p.Arg382Ter; replaces arginine 382 with a stop codon.
Molecular consequence: nonsense.
Genome position (GRCh38, 1-based): chr2:85,543,727, T duplicated. VCF-style (leftmost placement, unchanged base first): chr2-85543726-G-GT. GRCh37 (hg19) VCF-style: chr2-85770849-G-GT.
Other names: short protein forms R382*.
Identifiers: ClinVar variation 4721002 (VCV004721002.1).
Genomic context (GRCh38, chr2:85,543,726, plus strand): 5'-CCAGGGATCTGGATCTGAAGAAGCCAATTTATCAGAGGACTGCAGCCTATGGCCACTTTG[G>GT]TAGGGACAGCTTCCCATGGGAAGTGCCCAAAAAGCTTAAATATTGAAAGTGTTAGCCTTT-3'